The following is an entry in ClinVar:

ClinVar aggregate classification (germline): Pathogenic (1 of 4 stars; one submission).

Conditions:
Vici syndrome (VICIS). Identifiers: Orphanet 1493, MedGen C1855772, MONDO:0009452, OMIM 242840.

Submission:

Labcorp Genetics (formerly Invitae), Labcorp
Classification: Pathogenic for Vici syndrome. Last evaluated: 2023-03-08. Review status: criteria provided, single submitter. Criteria: Invitae Variant Classification Sherloc (09022015). Collection method: clinical testing. Allele origin: germline.
Comment: For these reasons, this variant has been classified as Pathogenic. This premature translational stop signal has been observed in individual(s) with Vici syndrome (PMID: 26917586). This variant is not present in population databases (gnomAD no frequency). This sequence change creates a premature translational stop signal (p.Ile1165Leufs*8) in the EPG5 gene. It is expected to result in an absent or disrupted protein product. Loss-of-function variants in EPG5 are known to be pathogenic (PMID: 23222957, 23674064).

Literature cited by the submitters: PubMed 26917586; PubMed 23222957; PubMed 23674064.

NM_020964.3(EPG5):c.3493_3497del (p.Ile1165fs)

Gene: EPG5 (ectopic P-granules 5 autophagy tethering factor; minus strand). Cytogenetic location: 18q21.1.
Variant type: Deletion.
Coding change: c.3493_3497del on transcript NM_020964.3 (MANE Select); coding-DNA positions 3493 to 3497, 5 bases deleted (ATCCT; older notation c.3493_3497delATCCT).
Protein change: p.Ile1165fs; shifts the reading frame from isoleucine 1165.
Molecular consequence: frameshift variant.
Genome position (GRCh38, 1-based): chr18:45,916,094-45,916,098, AGGAT deleted on the plus strand (ATCCT on the coding strand, the reverse complement: EPG5 is on the minus strand); deleting any 5 consecutive bases within chr18:45,916,094-45,916,101 gives the same sequence; the c. name uses the placement nearest the transcript's 3' end. VCF-style (leftmost placement, unchanged base first): chr18-45916093-GAGGAT-G. GRCh37 (hg19) VCF-style: chr18-43496058-GAGGAT-G.
Other names: c.3493_3497del, p.Ile1165fs (NM_001410858.1, NM_001410859.1); short protein forms I1165fs.
Identifiers: ClinVar variation 2736724 (VCV002736724.3), dbSNP rs2511821297, ClinGen allele CA2641629999.
Genomic context (GRCh38, chr18:45,916,093, plus strand): 5'-CTGTATGCAGTCTTCCTGCATCAGCTGAAAAGCTGCTTTACACAAGTGGTCCATGAGGAA[GAGGAT>G]AGGTTGTTCTCGGTACCAGAGATGCTGGCTTATGAGAGCCTGAACCCAGAACTCCAACAC-3'